The following is an entry in ClinVar:

ClinVar aggregate classification (germline): Uncertain significance (1 of 4 stars; one submission).

Allele frequency attached by ClinVar (database versions not stated): gnomAD exomes below 0.00001; ExAC 0.00001.
gnomAD v4.1: 2 of 1,614,166 alleles (0.00012%); highest among the groups gnomAD compares: Non-Finnish European, 0.000085%; no homozygotes.

Submission:

Labcorp Genetics (formerly Invitae), Labcorp
Classification: Uncertain significance. Last evaluated: 2023-10-17. Review status: criteria provided, single submitter. Criteria: Invitae Variant Classification Sherloc (09022015). Collection method: clinical testing. Allele origin: germline.
Comment: This sequence change replaces threonine, which is neutral and polar, with isoleucine, which is neutral and non-polar, at codon 411 of the ABL1 protein (p.Thr411Ile). This variant is present in population databases (rs758255745, gnomAD 0.002%). This variant has not been reported in the literature in individuals affected with ABL1-related conditions. Advanced modeling of protein sequence and biophysical properties (such as structural, functional, and spatial information, amino acid conservation, physicochemical variation, residue mobility, and thermodynamic stability) performed at Invitae indicates that this missense variant is not expected to disrupt ABL1 protein function. In summary, the available evidence is currently insufficient to determine the role of this variant in disease. Therefore, it has been classified as a Variant of Uncertain Significance.

NM_005157.6(ABL1):c.1175C>T (p.Thr392Ile)

Gene: ABL1 (ABL proto-oncogene 1, non-receptor tyrosine kinase; plus strand). Cytogenetic location: 9q34.12.
Variant type: single nucleotide variant.
Coding change: c.1175C>T on transcript NM_005157.6 (MANE Select); coding-DNA position 1175, C replaced by T.
Protein change: p.Thr392Ile; replaces threonine 392 with isoleucine.
Molecular consequence: missense variant.
Genome position (GRCh38, 1-based): chr9:130,874,957, C>T. VCF-style: chr9-130874957-C-T. GRCh37 (hg19) VCF-style: chr9-133750344-C-T.
Other names: c.1232C>T, p.Thr411Ile (NM_007313.3); short protein forms T411I, T392I.
Identifiers: ClinVar variation 2769676 (VCV002769676.3), dbSNP rs758255745, ClinGen allele CA5285399.